The following is an entry in ClinVar:

ClinVar aggregate classification (germline): Likely benign. Review status: criteria provided, multiple submitters, no conflicts (2 of 4 stars). 4 submissions from 4 submitters: Likely benign (3). 1 of the submissions does not count toward it. Last evaluated 2026-01-26.

Conditions:
FLNC-related disorder. Also called: FLNC-related disorders; FLNC-related condition.
Myofibrillar myopathy 5. Also called: Filaminopathy (type); FILAMINOPATHY, AUTOSOMAL DOMINANT. Identifiers: Orphanet 171445, MedGen C1836050, MONDO:0012289, OMIM 609524.
Hypertrophic cardiomyopathy 26. Also called: Cardiomyopathy, familial hypertrophic, 26. Identifiers: Orphanet 75249, MedGen C4310749, MONDO:0014883, OMIM 617047.
Distal myopathy with posterior leg and anterior hand involvement. Also called: WILLIAMS DISTAL MYOPATHY. Identifiers: Orphanet 63273, MedGen C3279722, MONDO:0013550, OMIM 614065.
Cardiovascular phenotype. Identifiers: MedGen CN230736.

Allele frequency attached by ClinVar (database versions not stated): gnomAD exomes 0.00003 and 0.00022; gnomAD 0.00007 and 0.00008; TOPMed 0.00010; ExAC 0.00020.

Submissions (4):

Labcorp Genetics (formerly Invitae), Labcorp
Classification: Likely benign for Distal myopathy with posterior leg and anterior hand involvement; Myofibrillar myopathy 5; Hypertrophic cardiomyopathy 26. Last evaluated: 2026-01-26. Review status: criteria provided, single submitter. Criteria: Invitae Variant Classification Sherloc (09022015). Collection method: clinical testing. Allele origin: germline.

Blueprint Genetics
Classification: Likely benign. Last evaluated: 2024-06-17. Review status: criteria provided, single submitter. Criteria: ACMG Guidelines, 2015. Collection method: clinical testing. Allele origin: germline.

Ambry Genetics
Classification: Likely benign for Cardiovascular phenotype. Last evaluated: 2020-10-13. Review status: criteria provided, single submitter. Criteria: Ambry Variant Classification Scheme 2023. Collection method: clinical testing. Allele origin: germline.

PreventionGenetics, part of Exact Sciences
Classification: Likely benign for FLNC-related condition. Last evaluated: 2020-10-02. Review status: no assertion criteria provided. Collection method: clinical testing. Allele origin: germline. Not counted in ClinVar's aggregate classification.
Comment: This variant is classified as likely benign based on ACMG/AMP sequence variant interpretation guidelines (Richards et al. 2015 PMID: 25741868, with internal and published modifications).

NM_001458.5(FLNC):c.4459G>A (p.Val1487Met)

Gene: FLNC (filamin C; plus strand). Cytogenetic location: 7q32.1.
Variant type: single nucleotide variant.
Coding change: c.4459G>A on transcript NM_001458.5 (MANE Select); coding-DNA position 4459, G replaced by A.
Protein change: p.Val1487Met; replaces valine 1487 with methionine.
Molecular consequence: missense variant.
Genome position (GRCh38, 1-based): chr7:128,847,947, G>A. VCF-style: chr7-128847947-G-A. GRCh37 (hg19) VCF-style: chr7-128488001-G-A.
Other names: c.4459G>A, p.Val1487Met (NM_001127487.2); short protein forms V1487M.
Identifiers: ClinVar variation 766888 (VCV000766888.16), dbSNP rs750186463, ClinGen allele CA4475350.